The following is an entry in ClinVar:

ClinVar aggregate classification (germline): Likely pathogenic (1 of 4 stars; one submission).

Submission:

Labcorp Genetics (formerly Invitae), Labcorp
Classification: Likely pathogenic. Last evaluated: 2024-06-17. Review status: criteria provided, single submitter. Criteria: Invitae Variant Classification Sherloc (09022015). Collection method: clinical testing. Allele origin: germline.
Comment: This sequence change affects a donor splice site in intron 4 of the TRPM6 gene. It is expected to disrupt RNA splicing. Variants that disrupt the donor or acceptor splice site typically lead to a loss of protein function (PMID: 16199547), and loss-of-function variants in TRPM6 are known to be pathogenic (PMID: 16107578). This variant is not present in population databases (gnomAD no frequency). This variant has not been reported in the literature in individuals affected with TRPM6-related conditions. Algorithms developed to predict the effect of sequence changes on RNA splicing suggest that this variant may disrupt the consensus splice site. In summary, the currently available evidence indicates that the variant is pathogenic, but additional data are needed to prove that conclusively. Therefore, this variant has been classified as Likely Pathogenic.

Literature cited by the submitters: PubMed 16199547; PubMed 16107578.

NM_017662.5(TRPM6):c.330+1G>A

Gene: TRPM6 (transient receptor potential cation channel subfamily M member 6; minus strand). Cytogenetic location: 9q21.13.
Variant type: single nucleotide variant.
Coding change: c.330+1G>A on transcript NM_017662.5 (MANE Select); the canonical splice donor site of the intron after coding-DNA position 330, G replaced by A.
Molecular consequence: splice donor variant.
Genome position (GRCh38, 1-based): chr9:74,842,165, C>T on the plus strand (G>A on the coding strand, the complement: TRPM6 is on the minus strand). VCF-style: chr9-74842165-C-T. GRCh37 (hg19) VCF-style: chr9-77457081-C-T.
Other names: c.315+1G>A (NM_001177310.2, NM_001177311.2).
Identifiers: ClinVar variation 2769648 (VCV002769648.3), dbSNP rs2490157836, ClinGen allele CA373773281.